The following is an entry in ClinVar:

ClinVar aggregate classification (germline): Pathogenic/Likely pathogenic. Review status: criteria provided, multiple submitters, no conflicts (2 of 4 stars). 3 submissions from 3 submitters: Pathogenic (1); Likely pathogenic (2). Last evaluated 2025-05-16.

Conditions:
Intellectual disability, autosomal recessive 42 (NEDDSBA). Also called: Neurodevelopmental disorder with dysmorphic features, spasticity, and brain abnormalities; GLYCOSYLPHOSPHATIDYLINOSITOL BIOSYNTHESIS DEFECT 9. Identifiers: Orphanet 88616, MedGen C4014343, MONDO:0014348, OMIM 615802.

Submissions (3):

Dasa
Classification: Likely pathogenic for Intellectual disability, autosomal recessive 42. Last evaluated: 2025-05-16. Review status: criteria provided, single submitter. Criteria: DASA Assertion Criteria. Collection method: clinical testing. Allele origin: germline.
Comment: NM_024989.4(PGAP1):c.2274C>G (p.Tyr758*) is a nonsense variant in PGAP1 predicted to introduce a premature termination codon and is predicted to result in an absent or altered protein product. Loss of function is an established disease mechanism for PGAP1-associated disorders. Also, this variant is absent from population databases. Based on the currently available evidence, this variant is classified as likely pathogenic.

Labcorp Genetics (formerly Invitae), Labcorp
Classification: Pathogenic for Intellectual disability, autosomal recessive 42. Last evaluated: 2022-06-23. Review status: criteria provided, single submitter. Criteria: Invitae Variant Classification Sherloc (09022015). Collection method: clinical testing. Allele origin: germline.
Comment: For these reasons, this variant has been classified as Pathogenic. ClinVar contains an entry for this variant (Variation ID: 801847). This variant has not been reported in the literature in individuals affected with PGAP1-related conditions. This variant is not present in population databases (gnomAD no frequency). This sequence change creates a premature translational stop signal (p.Tyr758*) in the PGAP1 gene. It is expected to result in an absent or disrupted protein product. Loss-of-function variants in PGAP1 are known to be pathogenic (PMID: 17711852, 26050939, 27848944).

Mendelics
Classification: Likely pathogenic for Intellectual disability, autosomal recessive 42. Last evaluated: 2019-05-28. Review status: criteria provided, single submitter. Criteria: Mendelics Assertion Criteria 2017. Collection method: clinical testing. Allele origin: unknown.

Literature cited by the submitters: PubMed 17711852 (cited by Labcorp Genetics (formerly Invitae), Labcorp); PubMed 26050939 (cited by Labcorp Genetics (formerly Invitae), Labcorp); PubMed 27848944 (cited by Labcorp Genetics (formerly Invitae), Labcorp).

NM_024989.4(PGAP1):c.2274C>G (p.Tyr758Ter)

Gene: PGAP1 (post-GPI attachment to proteins inositol deacylase 1; minus strand). Cytogenetic location: 2q33.1.
Variant type: single nucleotide variant.
Coding change: c.2274C>G on transcript NM_024989.4 (MANE Select); coding-DNA position 2274, C replaced by G.
Protein change: p.Tyr758Ter; replaces tyrosine 758 with a stop codon.
Molecular consequence: nonsense.
Genome position (GRCh38, 1-based): chr2:196,845,894, G>C on the plus strand (C>G on the coding strand, the complement: PGAP1 is on the minus strand). VCF-style: chr2-196845894-G-C. GRCh37 (hg19) VCF-style: chr2-197710618-G-C.
Other names: c.1752C>G, p.Tyr584Ter (NM_001321099.2); c.1107C>G, p.Tyr369Ter (NM_001321100.2); short protein forms Y369*, Y758*, Y584*.
Identifiers: ClinVar variation 801847 (VCV000801847.8), dbSNP rs1576086299, ClinGen allele CA350185277.